The following is an entry in ClinVar:

ClinVar aggregate classification (germline): Uncertain significance (1 of 4 stars; one submission).

Conditions:
Glycogen storage disease IXc (GSD9C). Also called: GSD IXc. Identifiers: Orphanet 264580, MedGen C2751643, MONDO:0013091, OMIM 613027.

Submission:

Labcorp Genetics (formerly Invitae), Labcorp
Classification: Uncertain significance for Glycogen storage disease IXc. Last evaluated: 2019-05-02. Review status: criteria provided, single submitter. Criteria: Invitae Variant Classification Sherloc (09022015). Collection method: clinical testing. Allele origin: germline.
Comment: This variant is not present in population databases (ExAC no frequency). This sequence change replaces glycine with serine at codon 181 of the PHKG2 protein (p.Gly181Ser). The glycine residue is highly conserved and there is a small physicochemical difference between glycine and serine. This variant has not been reported in the literature in individuals with PHKG2-related conditions. Algorithms developed to predict the effect of missense changes on protein structure and function are either unavailable or do not agree on the potential impact of this missense change (SIFT: "Deleterious"; PolyPhen-2: "Benign"; Align-GVGD: "Class C55"). Algorithms developed to predict the effect of sequence changes on RNA splicing suggest that this variant may create or strengthen a splice site, but this prediction has not been confirmed by published transcriptional studies. In summary, the available evidence is currently insufficient to determine the role of this variant in disease. Therefore, it has been classified as a Variant of Uncertain Significance.

NM_000294.3(PHKG2):c.541G>A (p.Gly181Ser)

Gene: PHKG2 (phosphorylase kinase catalytic subunit gamma 2; plus strand). Cytogenetic location: 16p11.2.
Variant type: single nucleotide variant.
Coding change: c.541G>A on transcript NM_000294.3 (MANE Select); coding-DNA position 541, G replaced by A.
Protein change: p.Gly181Ser; replaces glycine 181 with serine.
Molecular consequence: missense variant.
Genome position (GRCh38, 1-based): chr16:30,753,542, G>A. VCF-style: chr16-30753542-G-A. GRCh37 (hg19) VCF-style: chr16-30764863-G-A.
Other names: c.541G>A, p.Gly181Ser (NM_001172432.2); short protein forms G181S.
Identifiers: ClinVar variation 946120 (VCV000946120.9), dbSNP rs2053379091, ClinGen allele CA395657158.